The following is an entry in ClinVar:

ClinVar aggregate classification (germline): Pathogenic (1 of 4 stars; one submission).

Conditions:
DICER1-related tumor predisposition. Also called: DICER1-related pleuropulmonary blastoma cancer predisposition syndrome; DICER1 syndrome. Identifiers: Orphanet 284343, MedGen C3839822, MONDO:0100216.

Submission:

Labcorp Genetics (formerly Invitae), Labcorp
Classification: Pathogenic for DICER1-related tumor predisposition. Last evaluated: 2025-12-03. Review status: criteria provided, single submitter. Criteria: Invitae Variant Classification Sherloc (09022015). Collection method: clinical testing. Allele origin: germline.
Comment: This sequence change creates a premature translational stop signal (p.Glu292Lysfs*6) in the DICER1 gene. It is expected to result in an absent or disrupted protein product. Loss-of-function variants in DICER1 are known to be pathogenic (PMID: 19556464, 21266384). This variant is not present in population databases (gnomAD no frequency). This variant has not been reported in the literature in individuals affected with DICER1-related conditions. For these reasons, this variant has been classified as Pathogenic.

Literature cited by the submitters: PubMed 19556464; PubMed 21266384.

NM_177438.3(DICER1):c.873del (p.Glu292fs)

Gene: DICER1 (dicer 1, ribonuclease III; minus strand). Cytogenetic location: 14q32.13.
Variant type: Deletion.
Coding change: c.873del on transcript NM_177438.3 (MANE Select); coding-DNA position 873, one base deleted (A; older notation c.873delA).
Protein change: p.Glu292fs; shifts the reading frame from glutamic acid 292.
Molecular consequence: frameshift variant. On other transcripts: 5 prime UTR variant (1), non-coding transcript variant (6).
Genome position (GRCh38, 1-based): chr14:95,126,610, T deleted on the plus strand (A on the coding strand, the reverse complement: DICER1 is on the minus strand); the first of 4 consecutive T bases (chr14:95,126,610-95,126,613); deleting any one gives the same sequence. VCF-style (leftmost placement, unchanged base first): chr14-95126609-CT-C. GRCh37 (hg19) VCF-style: chr14-95592946-CT-C.
Other names: c.873del, p.Glu292fs (NM_001195573.1, NM_001271282.3, NM_001291628.2 and 14 more transcripts); c.591del, p.Glu198fs (NM_001395686.1); c.468del, p.Glu157fs (NM_001395687.1, NM_001395688.1, NM_001395689.1 and 3 more transcripts); c.306del, p.Glu103fs (NM_001395691.1); c.-696del (NM_001395697.1); short protein forms E157fs, E103fs, E198fs, E292fs.
Identifiers: ClinVar variation 4732481 (VCV004732481.1).